The following is an entry in ClinVar:

NM_005802.5(TOPORS):c.2540G>A (p.Arg847Gln)

Gene: TOPORS (TOP1 binding arginine/serine rich protein, E3 ubiquitin ligase; minus strand). Cytogenetic location: 9p21.1.
Variant type: single nucleotide variant.
Coding change: c.2540G>A on transcript NM_005802.5 (MANE Select); coding-DNA position 2540, G replaced by A.
Protein change: p.Arg847Gln; replaces arginine 847 with glutamine.
Molecular consequence: missense variant.
Genome position (GRCh38, 1-based): chr9:32,541,985, C>T on the plus strand (G>A on the coding strand, the complement: TOPORS is on the minus strand). VCF-style: chr9-32541985-C-T. GRCh37 (hg19) VCF-style: chr9-32541983-C-T.
Other names: c.2345G>A, p.Arg782Gln (NM_001195622.2); short protein forms R782Q, R847Q.
Identifiers: ClinVar variation 1937219 (VCV001937219.5), dbSNP rs759688322, ClinGen allele CA192358250.
Genomic context (GRCh38, chr9:32,541,985, plus strand): 5'-ACACTTAGGCTCCGGGTCTTCCTTTTTCTCCTTTTGTGTTTTGTCTCTCTGTCTGATGAT[C>T]GGCTGTCTGAAAAGGTATCACTCTCATTTTTGTAGTTTCCATCCAATTTTGATGAAGATT-3'
Protein context (NP_005793.2, residues 837-857): KNESDTFSDS[Arg847Gln]SSDRETKHKR

ClinVar aggregate classification (germline): Uncertain significance (1 of 4 stars; one submission).

gnomAD v4.1: 18 of 1,613,604 alleles (0.0011%); highest among the groups gnomAD compares: Middle Eastern, 0.016%; no homozygotes.

Submission:

Labcorp Genetics (formerly Invitae), Labcorp
Classification: Uncertain significance. Last evaluated: 2024-04-15. Review status: criteria provided, single submitter. Criteria: Invitae Variant Classification Sherloc (09022015). Collection method: clinical testing. Allele origin: germline.
Comment: This sequence change replaces arginine, which is basic and polar, with glutamine, which is neutral and polar, at codon 847 of the TOPORS protein (p.Arg847Gln). This variant is present in population databases (rs759688322, gnomAD 0.003%). This variant has not been reported in the literature in individuals affected with TOPORS-related conditions. ClinVar contains an entry for this variant (Variation ID: 1937219). Experimental studies and prediction algorithms are not available or were not evaluated, and the functional significance of this variant is currently unknown. In summary, the available evidence is currently insufficient to determine the role of this variant in disease. Therefore, it has been classified as a Variant of Uncertain Significance.